The following is an entry in ClinVar:

NM_000489.6(ATRX):c.3350T>C (p.Met1117Thr)

Gene: ATRX (ATRX chromatin remodeler; minus strand). Cytogenetic location: Xq21.1.
Variant type: single nucleotide variant.
Coding change: c.3350T>C on transcript NM_000489.6 (MANE Select); coding-DNA position 3350, T replaced by C.
Protein change: p.Met1117Thr; replaces methionine 1117 with threonine.
Molecular consequence: missense variant.
Genome position (GRCh38, 1-based): chrX:77,681,906, A>G on the plus strand (T>C on the coding strand, the complement: ATRX is on the minus strand). VCF-style: chrX-77681906-A-G. GRCh37 (hg19) VCF-style: chrX-76937398-A-G.
Other names: c.3236T>C, p.Met1079Thr (NM_138270.5); short protein forms M1117T, M1079T.
Identifiers: ClinVar variation 2015303 (VCV002015303.4), dbSNP rs2071224732, ClinGen allele CA413706757.

ClinVar aggregate classification (germline): Uncertain significance (1 of 4 stars; one submission).

Conditions:
Alpha thalassemia-X-linked intellectual disability syndrome (ATRX). Also called: ALPHA-THALASSEMIA/MENTAL RETARDATION SYNDROME, X-LINKED; ATR, NONDELETION TYPE; ATR-X syndrome; Alpha thalassemia mental retardation syndrome, nondeletion type, X-linked; XLMR hypotonic face syndrome; X-linked alpha-thalassemia-mental retardation syndrome. Identifiers: Orphanet 847, MedGen C1845055, MONDO:0010519, OMIM 301040.

Submission:

Labcorp Genetics (formerly Invitae), Labcorp
Classification: Uncertain significance for Alpha thalassemia-X-linked intellectual disability syndrome. Last evaluated: 2022-07-09. Review status: criteria provided, single submitter. Criteria: Invitae Variant Classification Sherloc (09022015). Collection method: clinical testing. Allele origin: germline.
Comment: This sequence change replaces methionine, which is neutral and non-polar, with threonine, which is neutral and polar, at codon 1117 of the ATRX protein (p.Met1117Thr). This variant is not present in population databases (gnomAD no frequency). This variant has not been reported in the literature in individuals affected with ATRX-related conditions. Advanced modeling of protein sequence and biophysical properties (such as structural, functional, and spatial information, amino acid conservation, physicochemical variation, residue mobility, and thermodynamic stability) performed at Invitae indicates that this missense variant is not expected to disrupt ATRX protein function. In summary, the available evidence is currently insufficient to determine the role of this variant in disease. Therefore, it has been classified as a Variant of Uncertain Significance.